The following is an entry in ClinVar:

NM_000322.5(PRPH2):c.640T>C (p.Cys214Arg)

Gene: PRPH2 (peripherin 2; minus strand). Cytogenetic location: 6p21.1.
Variant type: single nucleotide variant.
Coding change: c.640T>C on transcript NM_000322.5 (MANE Select); coding-DNA position 640, T replaced by C.
Protein change: p.Cys214Arg; replaces cysteine 214 with arginine.
Molecular consequence: missense variant.
Genome position (GRCh38, 1-based): chr6:42,704,553, A>G on the plus strand (T>C on the coding strand, the complement: PRPH2 is on the minus strand). VCF-style: chr6-42704553-A-G. GRCh37 (hg19) VCF-style: chr6-42672291-A-G.
Other names: short protein forms C214R.
Identifiers: ClinVar variation 1346950 (VCV001346950.7), dbSNP rs2152005343, ClinGen allele CA364135578.

ClinVar aggregate classification (germline): Likely pathogenic. Review status: criteria provided, multiple submitters, no conflicts (2 of 4 stars). 2 submissions from 2 submitters: Likely pathogenic (2). Last evaluated 2022-09-09.

Conditions:
PRPH2-related disorder. Also called: PRPH2-related disorders; PRPH2-related condition. Identifiers: MedGen CN239395.

Submissions (2):

Blueprint Genetics
Classification: Likely pathogenic for PRPH2-related disorders. Last evaluated: 2022-09-09. Review status: criteria provided, single submitter. Criteria: ACMG Guidelines, 2015. Collection method: clinical testing. Allele origin: germline. Affected: yes. Observed: 1 variant allele.

Labcorp Genetics (formerly Invitae), Labcorp
Classification: Likely pathogenic for PRPH2-related disorder. Last evaluated: 2021-09-15. Review status: criteria provided, single submitter. Criteria: Invitae Variant Classification Sherloc (09022015). Collection method: clinical testing. Allele origin: germline.
Comment: In summary, the currently available evidence indicates that the variant is pathogenic, but additional data are needed to prove that conclusively. Therefore, this variant has been classified as Likely Pathogenic. This variant disrupts the p.Cys214 amino acid residue in PRPH2. Other variant(s) that disrupt this residue have been determined to be pathogenic (PMID: 8244346, 12925772, 26796962). This suggests that this residue is clinically significant, and that variants that disrupt this residue are likely to be disease-causing. Advanced modeling of protein sequence and biophysical properties (such as structural, functional, and spatial information, amino acid conservation, physicochemical variation, residue mobility, and thermodynamic stability) performed at Invitae indicates that this missense variant is expected to disrupt PRPH2 protein function. This variant has not been reported in the literature in individuals affected with PRPH2-related conditions. This variant is not present in population databases (ExAC no frequency). This sequence change replaces cysteine with arginine at codon 214 of the PRPH2 protein (p.Cys214Arg). The cysteine residue is highly conserved and there is a large physicochemical difference between cysteine and arginine.

Literature cited by the submitters: PubMed 8244346 (cited by Labcorp Genetics (formerly Invitae), Labcorp); PubMed 12925772 (cited by Labcorp Genetics (formerly Invitae), Labcorp); PubMed 26796962 (cited by Labcorp Genetics (formerly Invitae), Labcorp).